The following is an entry in ClinVar:

NM_005219.5(DIAPH1):c.2066C>G (p.Pro689Arg)

Gene: DIAPH1 (diaphanous related formin 1; minus strand). Cytogenetic location: 5q31.3.
Variant type: single nucleotide variant.
Coding change: c.2066C>G on transcript NM_005219.5 (MANE Select); coding-DNA position 2066, C replaced by G.
Protein change: p.Pro689Arg; replaces proline 689 with arginine.
Molecular consequence: missense variant.
Genome position (GRCh38, 1-based): chr5:141,573,784, G>C on the plus strand (C>G on the coding strand, the complement: DIAPH1 is on the minus strand). VCF-style: chr5-141573784-G-C. GRCh37 (hg19) VCF-style: chr5-140953351-G-C.
Other names: c.2039C>G, p.Pro680Arg (NM_001079812.3); c.2066C>G, p.Pro689Arg (NM_001314007.2); short protein forms P680R, P689R.
Identifiers: ClinVar variation 1510543 (VCV001510543.6), dbSNP rs1233431834, ClinGen allele CA361518535.

ClinVar aggregate classification (germline): Uncertain significance (1 of 4 stars; one submission).

Conditions:
Progressive microcephaly-seizures-cortical blindness-developmental delay syndrome. Also called: Seizures, cortical blindness, and microcephaly syndrome. Identifiers: Orphanet 477814, MedGen C5567650, MONDO:0014714, OMIM 616632.
Autosomal dominant nonsyndromic hearing loss 1. Also called: DEAFNESS, AUTOSOMAL DOMINANT 1, WITH OR WITHOUT THROMBOCYTOPENIA; KONIGSMARK SYNDROME. Identifiers: Orphanet 90635, MedGen C1852282, MONDO:0007424, OMIM 124900.

Submission:

Labcorp Genetics (formerly Invitae), Labcorp
Classification: Uncertain significance for Progressive microcephaly-seizures-cortical blindness-developmental delay syndrome; Autosomal dominant nonsyndromic hearing loss 1. Last evaluated: 2023-07-07. Review status: criteria provided, single submitter. Criteria: Invitae Variant Classification Sherloc (09022015). Collection method: clinical testing. Allele origin: germline.
Comment: This sequence change replaces proline, which is neutral and non-polar, with arginine, which is basic and polar, at codon 689 of the DIAPH1 protein (p.Pro689Arg). This variant is not present in population databases (gnomAD no frequency). This variant has not been reported in the literature in individuals affected with DIAPH1-related conditions. ClinVar contains an entry for this variant (Variation ID: 1510543). Experimental studies and prediction algorithms are not available or were not evaluated, and the functional significance of this variant is currently unknown. In summary, the available evidence is currently insufficient to determine the role of this variant in disease. Therefore, it has been classified as a Variant of Uncertain Significance.